The following is an entry in ClinVar:

ClinVar aggregate classification (germline): Likely benign. Review status: criteria provided, single submitter (1 of 4 stars). 2 submissions from 2 submitters: Likely benign (1). 1 of the submissions does not count toward it. Last evaluated 2025-10-04.

Conditions:
ADD3-related disorder. Also called: ADD3-related condition.

Allele frequency attached by ClinVar (database versions not stated): TOPMed below 0.00001; ExAC 0.00001; gnomAD 0.00001; 1000 Genomes Project 30x 0.00031; 1000 Genomes Project 0.00020.
gnomAD v4.1: 6 of 1,613,800 alleles (0.00037%); highest among the groups gnomAD compares: East Asian, 0.0045%; no homozygotes.

Submissions (2):

Labcorp Genetics (formerly Invitae), Labcorp
Classification: Likely benign. Last evaluated: 2025-10-04. Review status: criteria provided, single submitter. Criteria: Invitae Variant Classification Sherloc (09022015). Collection method: clinical testing. Allele origin: germline.

PreventionGenetics, part of Exact Sciences
Classification: Likely benign for ADD3-related condition. Last evaluated: 2019-08-22. Review status: no assertion criteria provided. Collection method: clinical testing. Allele origin: germline. Not counted in ClinVar's aggregate classification.
Comment: This variant is classified as likely benign based on ACMG/AMP sequence variant interpretation guidelines (Richards et al. 2015 PMID: 25741868, with internal and published modifications).

NM_016824.5(ADD3):c.1974C>T (p.Ile658=)

Gene: ADD3 (adducin 3; plus strand). Cytogenetic location: 10q25.2.
Variant type: single nucleotide variant.
Coding change: c.1974C>T on transcript NM_016824.5 (MANE Select); coding-DNA position 1974, C replaced by T.
Protein change: p.Ile658=; no amino-acid change (isoleucine 658 retained).
Molecular consequence: synonymous variant.
Genome position (GRCh38, 1-based): chr10:110,133,471, C>T. VCF-style: chr10-110133471-C-T. GRCh37 (hg19) VCF-style: chr10-111893229-C-T.
Other names: c.1974C>T (NM_016824.4); c.1878C>T, p.Ile626= (NM_001121.4, NM_019903.5); c.1974C>T, p.Ile658= (NM_001320591.2, NM_001320592.2, NM_001320593.2); c.1740C>T, p.Ile580= (NM_001320594.2).
Identifiers: ClinVar variation 3016258 (VCV003016258.5), dbSNP rs568629103, ClinGen allele CA5686786.